The following is an entry in ClinVar:

ClinVar aggregate classification (germline): Uncertain significance (1 of 4 stars; one submission).

Submission:

Ambry Genetics
Classification: Uncertain significance. Last evaluated: 2021-09-03. Review status: criteria provided, single submitter. Criteria: Ambry Variant Classification Scheme 2023. Collection method: clinical testing. Allele origin: germline.
Comment: The p.T703S variant (also known as c.2108C>G), located in coding exon 18 of the BUB1 gene, results from a C to G substitution at nucleotide position 2108. The threonine at codon 703 is replaced by serine, an amino acid with similar properties. This amino acid position is conserved. In addition, this alteration is predicted to be tolerated by in silico analysis. Since supporting evidence is limited at this time, the clinical significance of this alteration remains unclear.

NM_004336.5(BUB1):c.2108C>G (p.Thr703Ser)

Gene: BUB1 (BUB1 mitotic checkpoint serine/threonine kinase; minus strand). Cytogenetic location: 2q13.
Variant type: single nucleotide variant.
Coding change: c.2108C>G on transcript NM_004336.5 (MANE Select); coding-DNA position 2108, C replaced by G.
Protein change: p.Thr703Ser; replaces threonine 703 with serine.
Molecular consequence: missense variant.
Genome position (GRCh38, 1-based): chr2:110,650,641, G>C on the plus strand (C>G on the coding strand, the complement: BUB1 is on the minus strand). VCF-style: chr2-110650641-G-C. GRCh37 (hg19) VCF-style: chr2-111408218-G-C.
Other names: c.2048C>G, p.Thr683Ser (NM_001278616.2); c.2108C>G, p.Thr703Ser (NM_001278617.2); short protein forms T683S, T703S.
Identifiers: ClinVar variation 1786008 (VCV001786008.2), dbSNP rs2467990848, ClinGen allele CA348209882.
Genomic context (GRCh38, chr2:110,650,641, plus strand): 5'-ATCCATTCTGCTTGGAGCCCAGCAATAGCATCTGGTGGATCTTCTGCAATGGCAGCGTCA[G>C]TGTCTGTGAGTCTGCAAGCCTCAACGCCCAACTCTGCCTCACAGGTAAGTACCCCACCTG-3'
Protein context (NP_004327.1, residues 693-713): LGVEACRLTD[Thr703Ser]DAAIAEDPPD